The following is an entry in ClinVar:

ClinVar aggregate classification (germline): Likely benign. Review status: criteria provided, single submitter (1 of 4 stars). 2 submissions from 2 submitters: Likely benign (1). 1 of the submissions does not count toward it. Last evaluated 2026-02-01.

Conditions:
VPS13B-related disorder. Also called: VPS13B-related condition.

gnomAD v4.1: 13 of 1,612,444 alleles (0.00081%); highest among the groups gnomAD compares: Non-Finnish European, 0.001%; no homozygotes.

Submissions (2):

CeGaT Center for Human Genetics Tuebingen
Classification: Likely benign. Last evaluated: 2026-02-01. Review status: criteria provided, single submitter. Criteria: CeGaT Center For Human Genetics Tuebingen Variant Classification Criteria Version 2. Collection method: clinical testing. Allele origin: germline. Affected: yes. Observed: 1 variant allele.
Comment: VPS13B: BP4, BP7

PreventionGenetics, part of Exact Sciences
Classification: Likely benign for VPS13B-related condition. Last evaluated: 2023-07-05. Review status: no assertion criteria provided. Collection method: clinical testing. Allele origin: germline. Not counted in ClinVar's aggregate classification.
Comment: This variant is classified as likely benign based on ACMG/AMP sequence variant interpretation guidelines (Richards et al. 2015 PMID: 25741868, with internal and published modifications).

NM_152564.5(VPS13B):c.279G>A (p.Lys93=)

Gene: VPS13B (vacuolar protein sorting 13 homolog B; plus strand). Cytogenetic location: 8q22.2.
Variant type: single nucleotide variant.
Coding change: c.279G>A on transcript NM_152564.5 (MANE Select); coding-DNA position 279, G replaced by A.
Protein change: p.Lys93=; no amino-acid change (lysine 93 retained).
Molecular consequence: synonymous variant. On other transcripts: non-coding transcript variant (1).
Genome position (GRCh38, 1-based): chr8:99,038,554, G>A. VCF-style: chr8-99038554-G-A. GRCh37 (hg19) VCF-style: chr8-100050782-G-A.
Other names: c.279G>A, p.Lys93= (NM_017890.5, NM_181661.3, NM_015243.3).
Identifiers: ClinVar variation 3353387 (VCV003353387.5).